The following is an entry in ClinVar:

NM_000478.6(ALPL):c.472+7C>G

Gene: ALPL (alkaline phosphatase, biomineralization associated; plus strand). Cytogenetic location: 1p36.12.
Variant type: single nucleotide variant.
Coding change: c.472+7C>G on transcript NM_000478.6 (MANE Select); 7 bases into the intron after coding-DNA position 472, C replaced by G.
Molecular consequence: intron variant.
Genome position (GRCh38, 1-based): chr1:21,563,291, C>G. VCF-style: chr1-21563291-C-G. GRCh37 (hg19) VCF-style: chr1-21889784-C-G.
Other names: c.472+7C>G (NM_001369805.2, NM_001369804.2, NM_001369803.2); c.307+7C>G (NM_001127501.4); c.241+7C>G (NM_001177520.3).
Identifiers: ClinVar variation 4086812 (VCV004086812.1).

ClinVar aggregate classification (germline): Uncertain significance (1 of 4 stars; one submission).

Conditions:
Hypophosphatasia. Also called: Phosphoethanol-aminuria. Identifiers: Orphanet 436, MedGen C0020630, MeSH D007014, MONDO:0018570.

Submission:

Genomenon, Inc
Classification: Uncertain significance for Hypophosphatasia. Last evaluated: 2025-08-29. Review status: criteria provided, single submitter. Criteria: Genomenon Sequence Variant Interpretation Standards. Collection method: curation. Allele origin: germline. Affected: no.
Comment: ALPL c.472+7C>G is an intronic variant located in intron 5. This variant has not been reported in patients affected with hypophosphatasia in the published literature. It is absent or not present at a significant frequency in gnomAD. In silico models agree that this variant is not damaging. In conclusion, we classify ALPL c.472+7C>G as a variant of unknown significance.